The following is an entry in ClinVar:

ClinVar aggregate classification (germline): Benign/Likely benign. Review status: criteria provided, multiple submitters, no conflicts (2 of 4 stars). 6 submissions from 6 submitters: Benign (2); Likely benign (3). 1 of the submissions does not count toward it. Last evaluated 2025-12-19.

Conditions:
MACF1-related disorder. Also called: MACF1-related condition.
Lissencephaly 9 with complex brainstem malformation. Identifiers: Orphanet 572013, MedGen C5193029, MONDO:0032677, OMIM 618325.

Allele frequency attached by ClinVar (database versions not stated): ESP Exome Variant Server 0.00069; TOPMed 0.00075; 1000 Genomes Project 30x 0.00078; 1000 Genomes Project 0.00100; ExAC 0.00164; gnomAD 0.00198 and 0.00205; gnomAD exomes 0.00200.
gnomAD v4.1: 2,368 of 1,612,476 alleles (0.15%); highest among the groups gnomAD compares: Non-Finnish European, 0.11%; 8 homozygotes.

Submissions (6):

Labcorp Genetics (formerly Invitae), Labcorp
Classification: Benign. Last evaluated: 2025-12-19. Review status: criteria provided, single submitter. Criteria: Invitae Variant Classification Sherloc (09022015). Collection method: clinical testing. Allele origin: germline.

CeGaT Center for Human Genetics Tuebingen
Classification: Likely benign. Last evaluated: 2025-05-01. Review status: criteria provided, single submitter. Criteria: CeGaT Center For Human Genetics Tuebingen Variant Classification Criteria Version 2. Collection method: clinical testing. Allele origin: germline. Affected: yes. Observed: 3 variant alleles.
Comment: MACF1: BP4, BP7

Blueprint Genetics
Classification: Likely benign. Last evaluated: 2024-11-21. Review status: criteria provided, single submitter. Criteria: ACMG Guidelines, 2015. Collection method: clinical testing. Allele origin: germline.

Genome-Nilou Lab
Classification: Benign for Lissencephaly 9 with complex brainstem malformation. Last evaluated: 2023-04-11. Review status: criteria provided, single submitter. Criteria: ACMG Guidelines, 2015. Collection method: clinical testing. Allele origin: germline. Affected: no.

Fulgent Genetics
Classification: Likely benign for Lissencephaly 9 with complex brainstem malformation. Last evaluated: 2021-09-29. Review status: criteria provided, single submitter. Criteria: ACMG Guidelines, 2015. Collection method: clinical testing. Allele origin: unknown.

PreventionGenetics, part of Exact Sciences
Classification: Benign for MACF1-related condition. Last evaluated: 2024-05-06. Review status: no assertion criteria provided. Collection method: clinical testing. Allele origin: germline. Not counted in ClinVar's aggregate classification.
Comment: This variant is classified as benign based on ACMG/AMP sequence variant interpretation guidelines (Richards et al. 2015 PMID: 25741868, with internal and published modifications).

NM_001394062.1(MACF1):c.3924G>A (p.Ser1308=)

Gene: MACF1 (microtubule actin crosslinking factor 1; plus strand). Cytogenetic location: 1p34.3.
Variant type: single nucleotide variant.
Coding change: c.3924G>A on transcript NM_001394062.1 (MANE Select); coding-DNA position 3924, G replaced by A.
Protein change: p.Ser1308=; no amino-acid change (serine 1308 retained).
Molecular consequence: synonymous variant.
Genome position (GRCh38, 1-based): chr1:39,318,594, G>A. VCF-style: chr1-39318594-G-A. GRCh37 (hg19) VCF-style: chr1-39784266-G-A.
Other names: c.3939G>A, p.Ser1313= (NM_012090.5).
Identifiers: ClinVar variation 1635650 (VCV001635650.35), dbSNP rs150560748, ClinGen allele CA780110.